The following is an entry in ClinVar:

ClinVar aggregate classification (germline): Uncertain significance (1 of 4 stars; one submission).

gnomAD v4.1: 5 of 1,613,630 alleles (0.00031%); highest among the groups gnomAD compares: Non-Finnish European, 0.00042%; no homozygotes.

Submission:

Labcorp Genetics (formerly Invitae), Labcorp
Classification: Uncertain significance. Last evaluated: 2022-10-08. Review status: criteria provided, single submitter. Criteria: Invitae Variant Classification Sherloc (09022015). Collection method: clinical testing. Allele origin: germline.
Comment: In summary, the available evidence is currently insufficient to determine the role of this variant in disease. Therefore, it has been classified as a Variant of Uncertain Significance. Algorithms developed to predict the effect of sequence changes on RNA splicing suggest that this variant is not likely to affect RNA splicing. This variant has not been reported in the literature in individuals affected with FN1-related conditions. This variant is not present in population databases (gnomAD no frequency). This sequence change affects codon 49 of the FN1 mRNA. It is a 'silent' change, meaning that it does not change the encoded amino acid sequence of the FN1 protein. It affects a nucleotide within the consensus splice site.

NM_212482.4(FN1):c.147G>A (p.Lys49=)

Gene: FN1 (fibronectin 1; minus strand). Cytogenetic location: 2q35.
Variant type: single nucleotide variant.
Coding change: c.147G>A on transcript NM_212482.4 (MANE Select); coding-DNA position 147, G replaced by A.
Protein change: p.Lys49=; no amino-acid change (lysine 49 retained).
Molecular consequence: synonymous variant.
Genome position (GRCh38, 1-based): chr2:215,435,656, C>T on the plus strand (G>A on the coding strand, the complement: FN1 is on the minus strand). VCF-style: chr2-215435656-C-T. GRCh37 (hg19) VCF-style: chr2-216300379-C-T.
Other names: c.147G>A, p.Lys49= (NM_001306129.2, NM_001306130.2, NM_001306131.2 and 14 more transcripts).
Identifiers: ClinVar variation 1984604 (VCV001984604.4), dbSNP rs1420420840, ClinGen allele CA431159198.
Genomic context (GRCh38, chr2:215,435,656, plus strand): 5'-GGTCGGCTTTAGGGTCCCATCCCTGAGGCAGCCTGTTTCAGCCCGCGGTCAGTACTCACG[C>T]TTGCTTTGACTGACAGCCACCGGGGACTGGGGCTGAACCATTTGCTGAGCCTGCCTCTTG-3'
Protein context (NP_997647.2, residues 39-59): PQSPVAVSQS[Lys49=]PGCYDNGKHY